The following is an entry in ClinVar:

NM_003995.4(NPR2):c.2970G>A (p.Met990Ile)

Genes: NPR2 (natriuretic peptide receptor 2; plus strand), SPAG8 (sperm associated antigen 8; minus strand). Cytogenetic location: 9p13.3.
Variant type: single nucleotide variant.
Coding change: c.2970G>A on transcript NM_003995.4 (MANE Select); coding-DNA position 2970, G replaced by A.
Protein change: p.Met990Ile; replaces methionine 990 with isoleucine.
Molecular consequence: missense variant. On other transcripts: intron variant (2).
Genome position (GRCh38, 1-based): chr9:35,808,837, G>A. VCF-style: chr9-35808837-G-A. GRCh37 (hg19) VCF-style: chr9-35808834-G-A.
Other names: c.2979G>A, p.Met993Ile (NM_001378923.1); c.1201-531C>T (NM_001366760.2); c.1373-531C>T (NM_172312.2); short protein forms M990I, M993I.
Identifiers: ClinVar variation 3766561 (VCV003766561.1).

ClinVar aggregate classification (germline): Uncertain significance (1 of 4 stars; one submission).

gnomAD v4.1: 2 of 1,601,630 alleles (0.00012%); highest among the groups gnomAD compares: South Asian, 0.0011%; no homozygotes.

Submission:

ARUP Laboratories, Molecular Genetics and Genomics, ARUP Laboratories
Classification: Uncertain significance. Last evaluated: 2024-04-12. Review status: criteria provided, single submitter. Criteria: ARUP Molecular Germline Variant Investigation Process 2024. Collection method: clinical testing. Allele origin: germline.
Comment: The NPR2 c.2970G>A; p.Met990Ile variant (rs1828578992), to our knowledge, is not reported in the medical literature or gene specific databases. This variant is also absent from the Genome Aggregation Database (v2.1.1), indicating it is not a common polymorphism. Computational analyses predict that this variant is deleterious (REVEL: 0.856). Due to limited information, the clinical significance of this variant is uncertain at this time.